The following is an entry in ClinVar:

ClinVar aggregate classification (germline): Pathogenic. Review status: criteria provided, multiple submitters, no conflicts (2 of 4 stars). 3 submissions from 3 submitters: Pathogenic (3). Last evaluated 2025-10-01.

Conditions:
Duchenne muscular dystrophy (DMD). Also called: MUSCULAR DYSTROPHY, PSEUDOHYPERTROPHIC PROGRESSIVE, DUCHENNE TYPE; Duchenne Muscular Dystrophy (DMD). Identifiers: Orphanet 98896, MedGen C0013264, MONDO:0010679, OMIM 310200.

Submissions (3):

Labcorp Genetics (formerly Invitae), Labcorp
Classification: Pathogenic for Duchenne muscular dystrophy. Last evaluated: 2025-10-01. Review status: criteria provided, single submitter. Criteria: Invitae Variant Classification Sherloc (09022015). Collection method: clinical testing. Allele origin: germline.
Comment: This sequence change affects an acceptor splice site in intron 21 of the DMD gene. It is expected to disrupt RNA splicing. Variants that disrupt the donor or acceptor splice site typically lead to a loss of protein function (PMID: 16199547), and loss-of-function variants in DMD are known to be pathogenic (PMID: 16770791, 25007885). This variant is not present in population databases (gnomAD no frequency). Disruption of this splice site has been observed in individuals with Duchenne or Becker muscular dystrophy (PMID: 15351422, 17041906, 20485447, 27593222). ClinVar contains an entry for this variant (Variation ID: 195678). Algorithms developed to predict the effect of sequence changes on RNA splicing suggest that this variant may disrupt the consensus splice site. For these reasons, this variant has been classified as Pathogenic.

Revvity Omics, Revvity
Classification: Pathogenic. Last evaluated: 2023-04-12. Review status: criteria provided, single submitter. Criteria: ACMG Guidelines, 2015. Collection method: clinical testing. Allele origin: germline.

Eurofins Ntd Llc (ga)
Classification: Pathogenic. Last evaluated: 2014-06-17. Review status: criteria provided, single submitter. Criteria: EGL Classification Definitions 2015. Collection method: clinical testing. Allele origin: germline. Observed: 1 variant allele, 1 hemizygote.

Literature cited by the submitters: PubMed 16199547 (cited by Labcorp Genetics (formerly Invitae), Labcorp); PubMed 16770791 (cited by Labcorp Genetics (formerly Invitae), Labcorp); PubMed 25007885 (cited by Labcorp Genetics (formerly Invitae), Labcorp); PubMed 15351422 (cited by Labcorp Genetics (formerly Invitae), Labcorp); PubMed 17041906 (cited by Labcorp Genetics (formerly Invitae), Labcorp); PubMed 20485447 (cited by Labcorp Genetics (formerly Invitae), Labcorp); PubMed 27593222 (cited by Labcorp Genetics (formerly Invitae), Labcorp).

NM_004006.3(DMD):c.2804-2A>T

Gene: DMD (dystrophin; minus strand). Cytogenetic location: Xp21.1.
Variant type: single nucleotide variant.
Coding change: c.2804-2A>T on transcript NM_004006.3 (MANE Select); the canonical splice acceptor site of the intron before coding-DNA position 2804, A replaced by T.
Molecular consequence: splice acceptor variant.
Genome position (GRCh38, 1-based): chrX:32,472,311, T>A on the plus strand (A>T on the coding strand, the complement: DMD is on the minus strand). VCF-style: chrX-32472311-T-A. GRCh37 (hg19) VCF-style: chrX-32490428-T-A.
Other names: c.2780-2A>T (NM_000109.4); c.2792-2A>T (NM_004009.3); c.2435-2A>T (NM_004010.3).
Identifiers: ClinVar variation 195678 (VCV000195678.11), dbSNP rs794727357, ClinGen allele CA275111.
Genomic context (GRCh38, chrX:32,472,311, plus strand): 5'-CCATGTCCTGATGGCACTCATGGTCTCCTGATAGCGCATTGGTGGCAAAGTGTCAAAAAC[T>A]TTATCAAAAGGGAAAAAAGAATGAGAATCACTTAATTGTTTCACACTTTGCCATGTTTTC-3'